The following is an entry in ClinVar:

NM_000219.6(KCNE1):c.72T>C (p.Gly24=)

Gene: KCNE1 (potassium voltage-gated channel subfamily E regulatory subunit 1; minus strand). Cytogenetic location: 21q22.12.
Variant type: single nucleotide variant.
Coding change: c.72T>C on transcript NM_000219.6 (MANE Select); coding-DNA position 72, T replaced by C.
Protein change: p.Gly24=; no amino-acid change (glycine 24 retained).
Molecular consequence: synonymous variant.
Genome position (GRCh38, 1-based): chr21:34,449,563, A>G on the plus strand (T>C on the coding strand, the complement: KCNE1 is on the minus strand). VCF-style: chr21-34449563-A-G. GRCh37 (hg19) VCF-style: chr21-35821861-A-G.
Other names: c.72T>C, p.Gly24= (NM_001127668.4, NM_001127669.4, NM_001127670.4 and 4 more transcripts).
Identifiers: ClinVar variation 2151082 (VCV002151082.6), dbSNP rs2516764852, ClinGen allele CA2580098632.

ClinVar aggregate classification (germline): Likely benign (1 of 4 stars; one submission).

Conditions:
Long QT syndrome (LQTS). Identifiers: MedGen C0023976, MeSH D008133, MONDO:0002442. Disease mechanism: loss of function. Inheritance: Various modes of inheritance.

Submissions (2):

Labcorp Genetics (formerly Invitae), Labcorp
Classification: Likely benign for Long QT syndrome. Last evaluated: 2022-06-06. Review status: criteria provided, single submitter. Criteria: Invitae Variant Classification Sherloc (09022015). Collection method: clinical testing. Allele origin: germline.

Roden Lab, Vanderbilt University Medical Center
No classification provided (evidence only). Condition: Long QT syndrome 5. Review status: no classification provided. Collection method: in vitro. Allele origin: not applicable. Functional consequence: Effect on ion channel function. Not counted in ClinVar's aggregate classification.
ClinVar note: "not provided" was previously submitted as the classification for the variant. However, the classification appeared to be based only on an observation of functional data so it was converted to no classification on 2025-07-30.